The following is an entry in ClinVar:

ClinVar aggregate classification (germline): Benign/Likely benign. Review status: criteria provided, multiple submitters, no conflicts (2 of 4 stars). 6 submissions from 6 submitters: Benign (2); Likely benign (4). Last evaluated 2025-06-22.

Conditions:
TSC2-related disorder. Also called: TSC2-related condition; TSC2-Related Disorders.
Hereditary cancer-predisposing syndrome. Also called: Neoplastic Syndromes, Hereditary; Hereditary Cancer Syndrome; Tumor predisposition; Hereditary neoplastic syndrome. Identifiers: Orphanet 140162, MedGen C0027672, MeSH D009386, MONDO:0015356.
Tuberous sclerosis syndrome (TSC). Also called: Tuberous Sclerosis Complex; Tuberous sclerosis. Identifiers: Orphanet 805, MedGen C0041341, MONDO:0001734.
Tuberous sclerosis 2 (TSC2). Identifiers: Orphanet 805, MedGen C1860707, MONDO:0013199, OMIM 613254.

Allele frequency attached by ClinVar (database versions not stated): gnomAD exomes below 0.00001; gnomAD 0.00001; TOPMed 0.00001.
gnomAD v4.1: 5 of 1,592,330 alleles (0.00031%); highest among the groups gnomAD compares: African/African-American, 0.0013%; no homozygotes.

Submissions (6):

Labcorp Genetics (formerly Invitae), Labcorp
Classification: Likely benign for Tuberous sclerosis 2. Last evaluated: 2025-06-22. Review status: criteria provided, single submitter. Criteria: Invitae Variant Classification Sherloc (09022015). Collection method: clinical testing. Allele origin: germline.

Myriad Genetics, Inc.
Classification: Benign for Tuberous sclerosis 2. Last evaluated: 2025-05-29. Review status: criteria provided, single submitter. Criteria: Myriad Autosomal Dominant, Autosomal Recessive and X-Linked Classification Criteria (2023). Collection method: clinical testing. Allele origin: unknown.
Comment: This variant is considered benign. This variant is a silent/synonymous amino acid change and it is not expected to impact splicing.

PreventionGenetics, part of Exact Sciences
Classification: Likely benign for TSC2-related condition. Last evaluated: 2025-02-07. Review status: criteria provided, single submitter. Criteria: ACMG Guidelines, 2015. Collection method: clinical testing. Allele origin: germline.
Comment: This variant is classified as likely benign based on ACMG/AMP sequence variant interpretation guidelines (Richards et al. 2015 PMID: 25741868, with internal and published modifications).

All of Us Research Program, National Institutes of Health
Classification: Likely benign for Tuberous sclerosis syndrome. Last evaluated: 2024-07-29. Review status: criteria provided, single submitter. Criteria: ACMG Guidelines, 2015. Collection method: clinical testing. Allele origin: germline. Inheritance: Autosomal dominant inheritance. Observed: 2 variant alleles, 2 heterozygotes.
Comment: This study involves interpretation of variants in research participants for the purpose of population health screening. Participant phenotype was not available at the time of variant classification. Additional details can be found in publication PMID: 35346344, PMCID: PMC8962531

Genome-Nilou Lab
Classification: Benign for Tuberous sclerosis 2. Last evaluated: 2021-11-07. Review status: criteria provided, single submitter. Criteria: ACMG Guidelines, 2015. Collection method: clinical testing. Allele origin: germline. Affected: no.

Ambry Genetics
Classification: Likely benign for Hereditary cancer-predisposing syndrome. Last evaluated: 2017-04-10. Review status: criteria provided, single submitter. Criteria: Ambry Variant Classification Scheme 2023. Collection method: clinical testing. Allele origin: germline.

NM_000548.5(TSC2):c.3390C>T (p.Ser1130=)

Gene: TSC2 (TSC complex subunit 2; plus strand). Cytogenetic location: 16p13.3.
Variant type: single nucleotide variant.
Coding change: c.3390C>T on transcript NM_000548.5 (MANE Select); coding-DNA position 3390, C replaced by T.
Protein change: p.Ser1130=; no amino-acid change (serine 1130 retained).
Molecular consequence: synonymous variant.
Genome position (GRCh38, 1-based): chr16:2,079,662, C>T. VCF-style: chr16-2079662-C-T. GRCh37 (hg19) VCF-style: chr16-2129663-C-T.
Other names: c.3258C>T, p.Ser1086= (NM_001077183.3, NM_001370404.1); c.3390C>T, p.Ser1130= (NM_001114382.3); c.3150C>T, p.Ser1050= (NM_001318827.2); c.3114C>T, p.Ser1038= (NM_001318829.2); c.2658C>T, p.Ser886= (NM_001318831.2); c.3291C>T, p.Ser1097= (NM_001318832.2); c.3261C>T, p.Ser1087= (NM_001363528.2, NM_001370405.1, NM_021055.3); c.3390C>T (NM_000548.4).
Identifiers: ClinVar variation 486697 (VCV000486697.21), dbSNP rs867238767, ClinGen allele CA276746211.
Genomic context (GRCh38, chr16:2,079,662, plus strand): 5'-CAAGCTGGAGTCCCAGGCTGGGCAGCAGGTGTCCCGTGGGGCCCGGGATCGGGTCCGTTC[C>T]ATGTCGGGTGAGCCTTGGCCCCAGCCACCTCCACACAGGCACCGGGGCTCCCTCAGTTGC-3'
Protein context (NP_000539.2, residues 1120-1140): VSRGARDRVR[Ser1130=]MSGGHGLRVG